The following is an entry in ClinVar:

ClinVar aggregate classification (germline): Likely benign (1 of 4 stars; one submission).

Allele frequency attached by ClinVar (database versions not stated): ExAC 0.00004; TOPMed 0.00004; gnomAD 0.00006; ESP Exome Variant Server 0.00009.
gnomAD v4.1: 46 of 1,208,866 alleles (0.0038%); highest among the groups gnomAD compares: East Asian, 0.021%; no homozygotes.

Submission:

CeGaT Center for Human Genetics Tuebingen
Classification: Likely benign. Last evaluated: 2022-10-01. Review status: criteria provided, single submitter. Criteria: CeGaT Center For Human Genetics Tuebingen Variant Classification Criteria Version 2. Collection method: clinical testing. Allele origin: germline. Affected: yes. Observed: 2 variant alleles.
Comment: ZNF185: BP4, BP7

NM_001395254.1(ZNF185):c.183C>T (p.Arg61=)

Gene: ZNF185 (zinc finger protein 185 with LIM domain; plus strand). Cytogenetic location: Xq28.
Variant type: single nucleotide variant.
Coding change: c.183C>T on transcript NM_001395254.1 (MANE Select); coding-DNA position 183, C replaced by T.
Protein change: p.Arg61=; no amino-acid change (arginine 61 retained).
Molecular consequence: synonymous variant.
Genome position (GRCh38, 1-based): chrX:152,915,162, C>T. VCF-style: chrX-152915162-C-T. GRCh37 (hg19) VCF-style: chrX-152083706-C-T.
Other names: c.183C>T, p.Arg61= (NM_001178106.1, NM_001178107.1, NM_001178108.2 and 4 more transcripts).
Identifiers: ClinVar variation 2661674 (VCV002661674.24), dbSNP rs373629130, ClinGen allele CA10544989.
Genomic context (GRCh38, chrX:152,915,162, plus strand): 5'-TCGGAGCCAATCCTTCAGGATGCCTCTTTCCCCCAGAGAGCTGCCCTCAGGCCGGAGTCG[C>T]GCCACATCCTTTTCATCAGCTGGGGAGGTTCCGAAGCCTAGGTAAGAGGTGGTGCTCAGG-3'
Protein context (NP_001382183.1, residues 51-71): RTIELPSGRS[Arg61=]ATSFSSAGEV